The following is an entry in ClinVar:

NM_000238.4(KCNH2):c.2994C>T (p.Phe998=)

Gene: KCNH2 (potassium voltage-gated channel subfamily H member 2; minus strand). Cytogenetic location: 7q36.1.
Variant type: single nucleotide variant.
Coding change: c.2994C>T on transcript NM_000238.4 (MANE Select); coding-DNA position 2994, C replaced by T.
Protein change: p.Phe998=; no amino-acid change (phenylalanine 998 retained).
Molecular consequence: synonymous variant.
Genome position (GRCh38, 1-based): chr7:150,947,486, G>A on the plus strand (C>T on the coding strand, the complement: KCNH2 is on the minus strand). VCF-style: chr7-150947486-G-A. GRCh37 (hg19) VCF-style: chr7-150644574-G-A.
Other names: p.F998F:TTC>TTT; c.1974C>T, p.Phe658= (NM_172057.3).
Identifiers: ClinVar variation 200252 (VCV000200252.26), dbSNP rs368954514, ClinGen allele CA007756.

ClinVar aggregate classification (germline): Benign/Likely benign. Review status: criteria provided, multiple submitters, no conflicts (2 of 4 stars). 7 submissions from 7 submitters: Benign (1); Likely benign (6). Last evaluated 2026-06-01.

Conditions:
Cardiovascular phenotype. Identifiers: MedGen CN230736.
Cardiac arrhythmia. Also called: Arrhythmia; Cardiac rhythm disease. Identifiers: MedGen C0003811, MONDO:0007263, HP:0011675.
Long QT syndrome (LQTS). Identifiers: MedGen C0023976, MeSH D008133, MONDO:0002442. Disease mechanism: loss of function. Inheritance: Various modes of inheritance.

Allele frequency attached by ClinVar (database versions not stated): gnomAD 0.00004 and 0.00005; gnomAD exomes 0.00005 and 0.00007; TOPMed 0.00006; ExAC 0.00011; ESP Exome Variant Server 0.00016.
gnomAD v4.1: 106 of 1,584,662 alleles (0.0067%); highest among the groups gnomAD compares: Admixed American, 0.016%; no homozygotes.

Submissions (7):

CeGaT Center for Human Genetics Tuebingen
Classification: Likely benign. Last evaluated: 2026-06-01. Review status: criteria provided, single submitter. Criteria: CeGaT Center For Human Genetics Tuebingen Variant Classification Criteria Version 2. Collection method: clinical testing. Allele origin: germline. Affected: yes. Observed: 2 variant alleles.
Comment: KCNH2: BP4, BP7

Labcorp Genetics (formerly Invitae), Labcorp
Classification: Likely benign for Long QT syndrome. Last evaluated: 2025-12-26. Review status: criteria provided, single submitter. Criteria: Invitae Variant Classification Sherloc (09022015). Collection method: clinical testing. Allele origin: germline.

All of Us Research Program, National Institutes of Health
Classification: Likely benign for Long QT syndrome. Last evaluated: 2023-11-30. Review status: criteria provided, single submitter. Criteria: ACMG Guidelines, 2015. Collection method: clinical testing. Allele origin: germline. Inheritance: Autosomal dominant inheritance. Observed: 17 variant alleles, 17 heterozygotes.
Comment: This study involves interpretation of variants in research participants for the purpose of population health screening. Participant phenotype was not available at the time of variant classification. Additional details can be found in publication PMID: 35346344, PMCID: PMC8962531

Blueprint Genetics
Classification: Likely benign. Last evaluated: 2022-07-29. Review status: criteria provided, single submitter. Criteria: ACMG Guidelines, 2015. Collection method: clinical testing. Allele origin: germline.

Ambry Genetics
Classification: Likely benign for Cardiovascular phenotype. Last evaluated: 2019-06-25. Review status: criteria provided, single submitter. Criteria: Ambry Variant Classification Scheme 2023. Collection method: clinical testing. Allele origin: germline.

Color Diagnostics, LLC DBA Color Health
Classification: Likely benign for Arrhythmia. Last evaluated: 2019-03-07. Review status: criteria provided, single submitter. Criteria: ACMG Guidelines, 2015. Collection method: clinical testing. Allele origin: germline.

GeneDx
Classification: Benign. Last evaluated: 2014-07-29. Review status: criteria provided, single submitter. Criteria: GeneDx Variant Classification (06012015). Collection method: clinical testing. Allele origin: germline. Affected: yes.
Comment: This variant is considered likely benign or benign based on one or more of the following criteria: it is a conservative change, it occurs at a poorly conserved position in the protein, it is predicted to be benign by multiple in silico algorithms, and/or has population frequency not consistent with disease.